The following is an entry in ClinVar:

ClinVar aggregate classification (germline): Uncertain significance. Review status: criteria provided, multiple submitters, no conflicts (2 of 4 stars). 2 submissions from 2 submitters: Uncertain significance (2). Last evaluated 2023-07-13.

Submissions (2):

Ambry Genetics
Classification: Uncertain significance. Last evaluated: 2023-07-13. Review status: criteria provided, single submitter. Criteria: Ambry Variant Classification Scheme 2023. Collection method: clinical testing. Allele origin: germline.
Comment: The c.256_282dup27 variant (also known as p.L86_Q94dup), located in coding exon 1 of the GALNT12 gene, results from an in-frame duplication of 27 nucleotides at nucleotide positions 256 to 282. This results in the duplication of 9 extra residues (LQGEELRLQ) between codons 86 and 94. In addition, this alteration is predicted to be deleterious by in silico analysis (Choi Y et al. PLoS ONE. 2012; 7(10):e46688). The evidence for this gene-disease relationship is limited; therefore, the clinical significance of this alteration is unclear.

Labcorp Genetics (formerly Invitae), Labcorp
Classification: Uncertain significance. Last evaluated: 2022-10-17. Review status: criteria provided, single submitter. Criteria: Invitae Variant Classification Sherloc (09022015). Collection method: clinical testing. Allele origin: germline.
Comment: In summary, the available evidence is currently insufficient to determine the role of this variant in disease. Therefore, it has been classified as a Variant of Uncertain Significance. Experimental studies and prediction algorithms are not available or were not evaluated, and the functional significance of this variant is currently unknown. ClinVar contains an entry for this variant (Variation ID: 1020512). This variant has not been reported in the literature in individuals affected with GALNT12-related conditions. This variant is not present in population databases (gnomAD no frequency). This variant, c.256_282dup, results in the insertion of 9 amino acid(s) of the GALNT12 protein (p.Leu86_Gln94dup), but otherwise preserves the integrity of the reading frame.

NM_024642.5(GALNT12):c.256_282dup (p.Leu86_Gln94dup)

Gene: GALNT12 (polypeptide N-acetylgalactosaminyltransferase 12; plus strand). Cytogenetic location: 9q22.33.
Variant type: Duplication.
Coding change: c.256_282dup on transcript NM_024642.5 (MANE Select); coding-DNA positions 256 to 282, 27 bases duplicated (CTGCAGGGCGAGGAGCTGCGGCTGCAG).
Protein change: p.Leu86_Gln94dup.
Molecular consequence: inframe insertion.
Genome position (GRCh38, 1-based): chr9:98,807,954-98,807,980, CTGCAGGGCGAGGAGCTGCGGCTGCAG duplicated; duplicating any 27 consecutive bases within chr9:98,807,943-98,807,980 gives the same sequence; the c. name uses the placement nearest the transcript's 3' end. VCF-style (leftmost placement, unchanged base first): chr9-98807942-G-GTGCGGCTGCAGCTGCAGGGCGAGGAGC. GRCh37 (hg19) VCF-style: chr9-101570224-G-GTGCGGCTGCAGCTGCAGGGCGAGGAGC.
Other names: c.256_282dupCTGCAGGGCGAGGAGCTGCGGCTGCAG (NM_024642.4).
Identifiers: ClinVar variation 1020512 (VCV001020512.10), dbSNP rs1588436292, ClinGen allele CA1867108669.